The following is an entry in ClinVar:

ClinVar aggregate classification (germline): Uncertain significance (1 of 4 stars; one submission).

Conditions:
Duchenne muscular dystrophy (DMD). Also called: Duchenne Muscular Dystrophy (DMD); MUSCULAR DYSTROPHY, PSEUDOHYPERTROPHIC PROGRESSIVE, DUCHENNE TYPE. Identifiers: Orphanet 98896, MedGen C0013264, MONDO:0010679, OMIM 310200.

Submission:

Labcorp Genetics (formerly Invitae), Labcorp
Classification: Uncertain significance for Duchenne muscular dystrophy. Last evaluated: 2016-01-26. Review status: criteria provided, single submitter. Criteria: Invitae Variant Classification Sherloc (09022015). Collection method: clinical testing. Allele origin: germline.
Comment: This variant is a gross duplication of the genomic region encompassing exons 45-55 of the DMD gene. The exact position of the duplicated exons cannot be determined from this data and whether the duplicated copy of this region is in tandem is unknown. Duplication of exons 45-55 have been reported in 2 individuals with either Duchenne muscular dystrophy (DMD) or Becker muscular dystrophy (PMID: 16917894). One of these two individuals harbors a second duplication of exons 65-79 which leads to an out of frame protein, this individual had a clinical diagnosis of DMD (PMID: 16917894). The impact of this duplication on DMD protein is unknown, therefore it has been classified as a Variant of Uncertain Significance.

NM_004006.2(DMD):c.6439-?_8217+?dup

Gene: DMD (dystrophin; minus strand).
Variant type: Duplication.
Coding change: c.6439-?_8217+?dup on transcript NM_004006.2.
Other names: c.6439-?_8217+?dup (LRG_199t1).
Identifiers: ClinVar variation 254060 (VCV000254060.1).